The following is an entry in ClinVar:

NM_197968.4(ZMYM2):c.3291G>C (p.Glu1097Asp)

Gene: ZMYM2 (zinc finger MYM-type containing 2; plus strand). Cytogenetic location: 13q12.11.
Variant type: single nucleotide variant.
Coding change: c.3291G>C on transcript NM_197968.4 (MANE Select); coding-DNA position 3291, G replaced by C.
Protein change: p.Glu1097Asp; replaces glutamic acid 1097 with aspartic acid.
Molecular consequence: missense variant. On other transcripts: non-coding transcript variant (1).
Genome position (GRCh38, 1-based): chr13:20,067,009, G>C. VCF-style: chr13-20067009-G-C. GRCh37 (hg19) VCF-style: chr13-20641149-G-C.
Other names: c.3096G>C, p.Glu1032Asp (NM_001353161.3); c.3291G>C, p.Glu1097Asp (NM_001353162.3, NM_001353164.2, NM_001353165.2 and 5 more transcripts); c.3030G>C, p.Glu1010Asp (NM_001353163.2); short protein forms E1010D, E1032D, E1097D.
Identifiers: ClinVar variation 4539875 (VCV004539875.1).

ClinVar aggregate classification (germline): Uncertain significance (1 of 4 stars; one submission).

Submission:

GeneDx
Classification: Uncertain significance. Last evaluated: 2025-06-26. Review status: criteria provided, single submitter. Criteria: GeneDx Variant Classification Process June 2021. Collection method: clinical testing. Allele origin: germline. Affected: yes.
Comment: Not observed at significant frequency in large population cohorts (gnomAD); In silico analysis suggests that this missense variant does not alter protein structure/function; Has not been previously published as pathogenic or benign to our knowledge